The following is an entry in ClinVar:

ClinVar aggregate classification (germline): Uncertain significance (1 of 4 stars; one submission).

Submission:

Labcorp Genetics (formerly Invitae), Labcorp
Classification: Uncertain significance. Last evaluated: 2022-09-26. Review status: criteria provided, single submitter. Criteria: Invitae Variant Classification Sherloc (09022015). Collection method: clinical testing. Allele origin: germline.
Comment: This sequence change replaces alanine, which is neutral and non-polar, with glycine, which is neutral and non-polar, at codon 130 of the CTNNA1 protein (p.Ala130Gly). In summary, the available evidence is currently insufficient to determine the role of this variant in disease. Therefore, it has been classified as a Variant of Uncertain Significance. Advanced modeling of protein sequence and biophysical properties (such as structural, functional, and spatial information, amino acid conservation, physicochemical variation, residue mobility, and thermodynamic stability) performed at Invitae indicates that this missense variant is not expected to disrupt CTNNA1 protein function. This variant has not been reported in the literature in individuals affected with CTNNA1-related conditions. This variant is not present in population databases (gnomAD no frequency).

NM_001903.5(CTNNA1):c.389C>G (p.Ala130Gly)

Gene: CTNNA1 (catenin alpha 1; plus strand). Cytogenetic location: 5q31.2.
Variant type: single nucleotide variant.
Coding change: c.389C>G on transcript NM_001903.5 (MANE Select); coding-DNA position 389, C replaced by G.
Protein change: p.Ala130Gly; replaces alanine 130 with glycine.
Molecular consequence: missense variant.
Genome position (GRCh38, 1-based): chr5:138,810,125, C>G. VCF-style: chr5-138810125-C-G. GRCh37 (hg19) VCF-style: chr5-138145814-C-G.
Other names: c.389C>G, p.Ala130Gly (NM_001290307.3, NM_001323982.2, NM_001323983.1 and 3 more transcripts); c.80C>G, p.Ala27Gly (NM_001290309.3); c.20C>G, p.Ala7Gly (NM_001290310.3); short protein forms A130G, A27G, A7G.
Identifiers: ClinVar variation 2153641 (VCV002153641.4), dbSNP rs1758523143, ClinGen allele CA361123180.